The following is an entry in ClinVar:

ClinVar aggregate classification (germline): Pathogenic/Likely pathogenic. Review status: criteria provided, multiple submitters, no conflicts (2 of 4 stars). 5 submissions from 5 submitters: Pathogenic (3); Likely pathogenic (1). 1 of the submissions does not count toward it. Last evaluated 2024-05-31.

Conditions:
Diabetes mellitus, transient neonatal, 2 (TNDM2). Identifiers: Orphanet 99886, MedGen C1835887, MONDO:0012480, OMIM 610374. Disease mechanism: loss of function.
Hyperinsulinemic hypoglycemia, familial, 1 (HHF1). Also called: Persistent hyperinsulinemic hypoglycemia of infancy; HYPERINSULINISM, FAMILIAL, WITH PANCREATIC NESIDIOBLASTOSIS; HYPOGLYCEMIA, HYPERINSULINEMIC, OF INFANCY; NESIDIOBLASTOSIS OF PANCREAS; Persistent Hyperinsulinemia Hypoglycemia of Infancy. Identifiers: Orphanet 276575, Orphanet 276598, MedGen C2931832, MONDO:0009734, OMIM 256450.
Leucine-induced hypoglycemia (LIH). Also called: LEUCINE-SENSITIVE HYPOGLYCEMIA OF INFANCY. Identifiers: MedGen C0271714, MONDO:0009415, OMIM 240800.
Type 2 diabetes mellitus. Also called: Type II diabetes mellitus. Identifiers: MedGen C0011860, MeSH D003924, MONDO:0005148, OMIM 125853, HP:0005978.
Diabetes mellitus, permanent neonatal 3. Also called: ABCC8-Related Permanent Neonatal Diabetes Mellitus. Identifiers: MedGen C5394303, MONDO:0030088, OMIM 618857.
Hereditary hyperinsulinism.

Submissions (5):

Fulgent Genetics
Classification: Likely pathogenic for Type 2 diabetes mellitus; Leucine-induced hypoglycemia; Hyperinsulinemic hypoglycemia, familial, 1; Diabetes mellitus, transient neonatal, 2; Diabetes mellitus, permanent neonatal 3. Last evaluated: 2024-05-31. Review status: criteria provided, single submitter. Criteria: ACMG Guidelines, 2015. Collection method: clinical testing. Allele origin: germline.

Natera, Inc.
Classification: Pathogenic for Hereditary hyperinsulinism. Last evaluated: 2024-05-20. Review status: criteria provided, single submitter. Criteria: Natera Variant Classification Schema (03/2026). Collection method: clinical testing. Allele origin: germline.
Comment: The c.3124_3126delACCinsCAGCCAGGAACTG variant in ABCC8 is a frameshift variant predicted to shift the reading frame beginning at codon 1042 and leads to a stop codon 75 codons downstream. This variant is expected to result in nonsense mediated decay, truncation, or a dysfunctional protein product. This variant is rare in the general population with a frequency below the threshold expected for the associated phenotype(s). This variant has been observed in one or more individuals affected with the associated recessive disease, as either homozygous or compound heterozygous with a second variant (PMID: 33502730, 32851339). Given the available evidence, this variant is classified as Pathogenic.

Labcorp Genetics (formerly Invitae), Labcorp
Classification: Pathogenic. Last evaluated: 2019-01-17. Review status: criteria provided, single submitter. Criteria: Invitae Variant Classification Sherloc (09022015). Collection method: clinical testing. Allele origin: germline.
Comment: This sequence change creates a premature translational stop signal (p.Thr1042Glnfs*75) in the ABCC8 gene. It is expected to result in an absent or disrupted protein product. This variant is not present in population databases (ExAC no frequency). This variant has been observed in individuals affected with ABCC8-related conditions (PMID: 26740944, 17668386). This variant is also known as c.3127_3129delACCinsCAGCCAGGACCTG in the literature. ClinVar contains an entry for this variant (Variation ID: 188894). Loss-of-function variants in ABCC8 are known to be pathogenic (PMID: 20685672, 23345197). For these reasons, this variant has been classified as Pathogenic.

Juno Genomics, Hangzhou Juno Genomics, Inc
Classification: Pathogenic for Hyperinsulinemic hypoglycemia, familial, 1. Review status: criteria provided, single submitter. Criteria: ACMG Guidelines, 2015. Collection method: clinical testing. Allele origin: germline. Affected: yes.
Comment: Absent from controls (or at extremely low frequency if recessive) in Genome Aggregation Database, Exome Sequencing Project, 1000 Genomes Project, or Exome Aggregation Consortium.;Null variant in a gene where loss of function (LOF) is a known mechanism of disease.;The prevalence of the variant in affected individuals is significantly increased compared to the prevalence in controls.;Patient's phenotype or family history is highly specific for a disease with a single genetic etiology.

Counsyl
Classification: Likely pathogenic for Persistent hyperinsulinemic hypoglycemia of infancy. Last evaluated: 2014-07-21. Review status: no assertion criteria provided. Collection method: literature only. Allele origin: unknown. Inheritance: Autosomal recessive inheritance. Not counted in ClinVar's aggregate classification.

Literature cited by the submitters: PubMed 33502730 (cited by Natera, Inc.); PubMed 32851339 (cited by Natera, Inc.); PubMed 26740944 (cited by Labcorp Genetics (formerly Invitae), Labcorp); PubMed 17668386 (cited by Labcorp Genetics (formerly Invitae), Labcorp and Counsyl).

NM_000352.6(ABCC8):c.3124_3126delinsCAGCCAGGAACTG (p.Thr1042fs)

Gene: ABCC8 (ATP binding cassette subfamily C member 8; minus strand). Cytogenetic location: 11p15.1.
Variant type: Indel.
Coding change: c.3124_3126delinsCAGCCAGGAACTG on transcript NM_000352.6 (MANE Select); coding-DNA positions 3124 to 3126, ACC replaced by CAGCCAGGAACTG.
Protein change: p.Thr1042fs; shifts the reading frame from threonine 1042.
Molecular consequence: frameshift variant. On other transcripts: non-coding transcript variant (1).
Genome position (GRCh38, 1-based): chr11:17,406,924-17,406,926, GGT replaced by CAGTTCCTGGCTG on the plus strand (ACC replaced by CAGCCAGGAACTG on the coding strand, the reverse complement: ABCC8 is on the minus strand). VCF-style: chr11-17406924-GGT-CAGTTCCTGGCTG. GRCh37 (hg19) VCF-style: chr11-17428471-GGT-CAGTTCCTGGCTG.
Other names: c.3127_3129delinsCAGCCAGGAACTG, p.Thr1043fs (NM_001287174.3); c.3190_3192delinsCAGCCAGGAACTG, p.Thr1064fs (NM_001351295.2); c.3124_3126delinsCAGCCAGGAACTG, p.Thr1042fs (NM_001351296.2); c.3121_3123delinsCAGCCAGGAACTG, p.Thr1041fs (NM_001351297.2); c.3124_3126delACCinsCAGCCAGGAACTG (NM_000352.4); short protein forms T1041fs, T1042fs, T1043fs, T1064fs.
Identifiers: ClinVar variation 188894 (VCV000188894.8), dbSNP rs786204542, ClinGen allele CA274090.